The following is an entry in ClinVar:

NM_001349338.3(FOXP1):c.1427A>C (p.Gln476Pro)

Gene: FOXP1 (forkhead box P1; minus strand). Cytogenetic location: 3p13.
Variant type: single nucleotide variant.
Coding change: c.1427A>C on transcript NM_001349338.3 (MANE Select); coding-DNA position 1427, A replaced by C.
Protein change: p.Gln476Pro; replaces glutamine 476 with proline.
Molecular consequence: missense variant. On other transcripts: non-coding transcript variant (2).
Genome position (GRCh38, 1-based): chr3:70,977,644, T>G on the plus strand (A>C on the coding strand, the complement: FOXP1 is on the minus strand). VCF-style: chr3-70977644-T-G. GRCh37 (hg19) VCF-style: chr3-71026795-T-G.
Other names: c.1424A>C, p.Gln475Pro (NM_001244808.3, NM_001349341.3); c.1427A>C, p.Gln476Pro (NM_001244810.2, NM_001244814.3, NM_001244816.2 and 2 more transcripts); c.1199A>C, p.Gln400Pro (NM_001244812.3); c.1127A>C, p.Gln376Pro (NM_001244813.3, NM_001244815.2, NM_001349342.3); c.1124A>C, p.Gln375Pro (NM_001349337.2, NM_001349343.3, NM_001349344.3 and 1 more transcripts); short protein forms Q375P, Q376P, Q400P, Q475P, Q476P.
Identifiers: ClinVar variation 1320132 (VCV001320132.1), dbSNP rs2107310071, ClinGen allele CA353493196.

ClinVar aggregate classification (germline): Likely pathogenic (1 of 4 stars; one submission).

Conditions:
Intellectual disability-severe speech delay-mild dysmorphism syndrome (IDDLA). Also called: Intellectual developmental disorder with language impairment AND with or without autistic features; Mental retardation with language impairment and autistic features; FOXP1 Syndrome. Identifiers: Orphanet 391372, MedGen C4013764, MONDO:0013352, OMIM 613670.

Submission:

3billion
Classification: Likely pathogenic for Intellectual disability-severe speech delay-mild dysmorphism syndrome. Last evaluated: 2021-10-02. Review status: criteria provided, single submitter. Criteria: ACMG Guidelines, 2015. Collection method: clinical testing. Allele origin: germline. Affected: yes. Observed: 1 heterozygote.
Comment: The variant was observed as assumed (i.e. paternity and maternity not confirmed) de novoo (3billion dataset, PM6). The missense variant is located in a mutational hot spot and/or well-established functional domain in which established pathogenic variants have been reported (PM1). It is not observed in the gnomAD v2.1.1 dataset (PM2). In silico tool predictions suggest damaging effect of the variant on gene or gene product (REVEL: 0.937, 3Cnet: 0.999, PP3). Therefore, this variant is classified as likley pathogenic according to the recommendation of ACMG/AMP guideline.